The following is an entry in ClinVar:

NM_001060.6(TBXA2R):c.189C>A (p.Phe63Leu)

Gene: TBXA2R (thromboxane A2 receptor; minus strand). Cytogenetic location: 19p13.3.
Variant type: single nucleotide variant.
Coding change: c.189C>A on transcript NM_001060.6 (MANE Select); coding-DNA position 189, C replaced by A.
Protein change: p.Phe63Leu; replaces phenylalanine 63 with leucine.
Molecular consequence: missense variant.
Genome position (GRCh38, 1-based): chr19:3,600,446, G>T on the plus strand (C>A on the coding strand, the complement: TBXA2R is on the minus strand). VCF-style: chr19-3600446-G-T. GRCh37 (hg19) VCF-style: chr19-3600444-G-T.
Other names: c.189C>A, p.Phe63Leu (NM_201636.3); short protein forms F63L.
Identifiers: ClinVar variation 2878991 (VCV002878991.3), dbSNP rs761086307, ClinGen allele CA9080907.

ClinVar aggregate classification (germline): Uncertain significance (1 of 4 stars; one submission).

Allele frequency attached by ClinVar (database versions not stated): ExAC 0.00001.

Submission:

Labcorp Genetics (formerly Invitae), Labcorp
Classification: Uncertain significance. Last evaluated: 2024-01-29. Review status: criteria provided, single submitter. Criteria: Invitae Variant Classification Sherloc (09022015). Collection method: clinical testing. Allele origin: germline.
Comment: This sequence change replaces phenylalanine, which is neutral and non-polar, with leucine, which is neutral and non-polar, at codon 63 of the TBXA2R protein (p.Phe63Leu). This variant is not present in population databases (gnomAD no frequency). This variant has not been reported in the literature in individuals affected with TBXA2R-related conditions. Advanced modeling of protein sequence and biophysical properties (such as structural, functional, and spatial information, amino acid conservation, physicochemical variation, residue mobility, and thermodynamic stability) performed at Invitae indicates that this missense variant is expected to disrupt TBXA2R protein function with a positive predictive value of 80%. In summary, the available evidence is currently insufficient to determine the role of this variant in disease. Therefore, it has been classified as a Variant of Uncertain Significance.